The following is an entry in ClinVar:

NM_004186.5(SEMA3F):c.37C>T (p.Leu13=)

Gene: SEMA3F (semaphorin 3F; plus strand). Cytogenetic location: 3p21.31.
Variant type: single nucleotide variant.
Coding change: c.37C>T on transcript NM_004186.5 (MANE Select); coding-DNA position 37, C replaced by T.
Protein change: p.Leu13=; no amino-acid change (leucine 13 retained).
Molecular consequence: synonymous variant. On other transcripts: intron variant (1).
Genome position (GRCh38, 1-based): chr3:50,159,659, C>T. VCF-style: chr3-50159659-C-T. GRCh37 (hg19) VCF-style: chr3-50197092-C-T.
Other names: c.37C>T, p.Leu13= (NM_001318800.2); c.-135-33C>T (NM_001318798.2).
Identifiers: ClinVar variation 3060222 (VCV003060222.2), dbSNP rs2072053, ClinGen allele CA2411603.
Genomic context (GRCh38, chr3:50,159,659, plus strand): 5'-CCTGGGCCCTAGGCCCCTCCCACAATGCTTGTCGCCGGTCTTCTTCTCTGGGCTTCCCTA[C>T]TGACCGGGGCCTGGCCATCCTTCCCCACCCAGGACCACCTCCCGGCCACGCCCCGGGTCC-3'
Protein context (NP_004177.3, residues 3-23): VAGLLLWASL[Leu13=]TGAWPSFPTQ

ClinVar aggregate classification (germline): Benign (0 of 4 stars; one submission).

Conditions:
SEMA3F-related disorder. Also called: SEMA3F-related condition.

Allele frequency attached by ClinVar (database versions not stated): ESP Exome Variant Server 0.00669; gnomAD 0.05412; TOPMed 0.07230; 1000 Genomes Project 30x 0.16146; 1000 Genomes Project 0.16853.
gnomAD v4.1: 55,675 of 1,612,908 alleles (3.5%); highest among the groups gnomAD compares: East Asian, 56%; 11,807 homozygotes.

Submission:

PreventionGenetics, part of Exact Sciences
Classification: Benign for SEMA3F-related condition. Last evaluated: 2022-09-24. Review status: no assertion criteria provided. Collection method: clinical testing. Allele origin: germline.
Comment: This variant is classified as benign based on ACMG/AMP sequence variant interpretation guidelines (Richards et al. 2015 PMID: 25741868, with internal and published modifications).